The following is an entry in ClinVar:

NM_001458.5(FLNC):c.6445A>G (p.Thr2149Ala)

Genes: FLNC (filamin C; plus strand), FLNC-AS1 (FLNC antisense RNA 1; minus strand). Cytogenetic location: 7q32.1.
Variant type: single nucleotide variant.
Coding change: c.6445A>G on transcript NM_001458.5 (MANE Select); coding-DNA position 6445, A replaced by G.
Protein change: p.Thr2149Ala; replaces threonine 2149 with alanine.
Molecular consequence: missense variant.
Genome position (GRCh38, 1-based): chr7:128,853,798, A>G. VCF-style: chr7-128853798-A-G. GRCh37 (hg19) VCF-style: chr7-128493852-A-G.
Other names: c.6346A>G, p.Thr2116Ala (NM_001127487.2); short protein forms T2149A, T2116A.
Identifiers: ClinVar variation 1753568 (VCV001753568.7), dbSNP rs1301236869, ClinGen allele CA369212557.

ClinVar aggregate classification (germline): Uncertain significance. Review status: criteria provided, multiple submitters, no conflicts (2 of 4 stars). 3 submissions from 3 submitters: Uncertain significance (3). Last evaluated 2025-05-23.

Conditions:
Distal myopathy with posterior leg and anterior hand involvement. Also called: WILLIAMS DISTAL MYOPATHY. Identifiers: Orphanet 63273, MedGen C3279722, MONDO:0013550, OMIM 614065.
Hypertrophic cardiomyopathy 26. Also called: Cardiomyopathy, familial hypertrophic, 26. Identifiers: Orphanet 75249, MedGen C4310749, MONDO:0014883, OMIM 617047.
Myofibrillar myopathy 5. Also called: FILAMINOPATHY, AUTOSOMAL DOMINANT; Filaminopathy (type). Identifiers: Orphanet 171445, MedGen C1836050, MONDO:0012289, OMIM 609524.
Cardiovascular phenotype. Identifiers: MedGen CN230736.

Allele frequency attached by ClinVar (database versions not stated): gnomAD exomes 0.00002.
gnomAD v4.1: 27 of 1,613,486 alleles (0.0017%); highest among the groups gnomAD compares: Non-Finnish European, 0.0023%; no homozygotes.

Submissions (3):

Labcorp Genetics (formerly Invitae), Labcorp
Classification: Uncertain significance for Distal myopathy with posterior leg and anterior hand involvement; Myofibrillar myopathy 5; Hypertrophic cardiomyopathy 26. Last evaluated: 2025-05-23. Review status: criteria provided, single submitter. Criteria: Invitae Variant Classification Sherloc (09022015). Collection method: clinical testing. Allele origin: germline.
Comment: This sequence change replaces threonine, which is neutral and polar, with alanine, which is neutral and non-polar, at codon 2149 of the FLNC protein (p.Thr2149Ala). This variant is present in population databases (no rsID available, gnomAD 0.0009%). This variant has not been reported in the literature in individuals affected with FLNC-related conditions. ClinVar contains an entry for this variant (Variation ID: 1753568). Invitae Evidence Modeling of protein sequence and biophysical properties (such as structural, functional, and spatial information, amino acid conservation, physicochemical variation, residue mobility, and thermodynamic stability) has been performed for this missense variant. However, the output from this modeling did not meet the statistical confidence thresholds required to predict the impact of this variant on FLNC protein function. In summary, the available evidence is currently insufficient to determine the role of this variant in disease. Therefore, it has been classified as a Variant of Uncertain Significance.

GeneDx
Classification: Uncertain significance. Last evaluated: 2024-09-03. Review status: criteria provided, single submitter. Criteria: GeneDx Variant Classification Process June 2021. Collection method: clinical testing. Allele origin: germline.
Comment: Has not been previously published as pathogenic or benign to our knowledge; Not observed at significant frequency in large population cohorts (gnomAD); In silico analysis indicates that this missense variant does not alter protein structure/function

Ambry Genetics
Classification: Uncertain significance for Cardiovascular phenotype. Last evaluated: 2021-04-16. Review status: criteria provided, single submitter. Criteria: Ambry Variant Classification Scheme 2023. Collection method: clinical testing. Allele origin: germline.
Comment: The p.T2149A variant (also known as c.6445A>G), located in coding exon 39 of the FLNC gene, results from an A to G substitution at nucleotide position 6445. The threonine at codon 2149 is replaced by alanine, an amino acid with similar properties. This amino acid position is not well conserved in available vertebrate species. In addition, this alteration is predicted to be tolerated by in silico analysis. Since supporting evidence is limited at this time, the clinical significance of this alteration remains unclear.